The following is an entry in ClinVar:

ClinVar aggregate classification (germline): Benign/Likely benign. Review status: criteria provided, multiple submitters, no conflicts (2 of 4 stars). 25 submissions from 18 submitters: Benign (18); Likely benign (2). 5 of the submissions do not count toward it. Last evaluated 2026-02-03.

Conditions:
Cardiovascular phenotype. Identifiers: MedGen CN230736.
Dilated cardiomyopathy 1G (CMD1G). Identifiers: Orphanet 154, MedGen C1858763, MONDO:0011400, OMIM 604145.
Autosomal recessive limb-girdle muscular dystrophy type 2J (LGMDR10). Also called: MUSCULAR DYSTROPHY, LIMB-GIRDLE, AUTOSOMAL RECESSIVE 10; Limb-girdle muscular dystrophy, type 2J. Identifiers: Orphanet 140922, MedGen C1837342, MONDO:0012127, OMIM 608807.
Cardiomyopathy (CMYO). Also called: Cardiomyopathies. Identifiers: Orphanet 167848, MedGen C0878544, MONDO:0004994, HP:0001638. Inheritance: Various modes of inheritance.
Myopathy, myofibrillar, 9, with early respiratory failure (MFM9). Also called: Myopathy, distal, with early respiratory failure, autosomal dominant; Hereditary myopathy with early respiratory failure; MYOPATHY, PROXIMAL, WITH EARLY RESPIRATORY MUSCLE INVOLVEMENT; EDSTROM MYOPATHY. Identifiers: Orphanet 178464, Orphanet 34521, MedGen C1863599, MONDO:0011362, OMIM 603689.
Early-onset myopathy with fatal cardiomyopathy (CMYO5). Also called: CONGENITAL MYOPATHY 5 WITH CARDIOMYOPATHY; Salih Myopathy. Identifiers: Orphanet 289377, MedGen C2673677, MONDO:0012714, OMIM 611705. Disease mechanism: loss of function.
Tibial muscular dystrophy (TMD). Also called: Udd Distal Myopathy – Tibial Muscular Dystrophy; Tibial muscular dystrophy, tardive; UDD MYOPATHY. Identifiers: Orphanet 609, MedGen C1838244, MONDO:0010870, OMIM 600334.

Allele frequency attached by ClinVar (database versions not stated): 1000 Genomes Project 0.02296; 1000 Genomes Project 30x 0.02405; TOPMed 0.02514; gnomAD exomes 0.00259 and 0.00609; ESP Exome Variant Server 0.02145; gnomAD 0.02352 and 0.02193; ExAC 0.00721.
gnomAD v4.1: 7,293 of 1,612,964 alleles (0.45%); highest among the groups gnomAD compares: African/African-American, 7.3%; 227 homozygotes.

Submissions (25):

Labcorp Genetics (formerly Invitae), Labcorp
Classification: Benign for Dilated cardiomyopathy 1G; Autosomal recessive limb-girdle muscular dystrophy type 2J. Last evaluated: 2026-02-03. Review status: criteria provided, single submitter. Criteria: Invitae Variant Classification Sherloc (09022015). Collection method: clinical testing. Allele origin: germline.

ARUP Laboratories, Molecular Genetics and Genomics, ARUP Laboratories
Classification: Benign. Last evaluated: 2025-05-15. Review status: criteria provided, single submitter. Criteria: ARUP Molecular Germline Variant Investigation Process 2024. Collection method: clinical testing. Allele origin: germline.

Athena Diagnostics
Classification: Benign. Last evaluated: 2024-04-12. Review status: criteria provided, single submitter. Criteria: Athena Diagnostics Criteria. Collection method: clinical testing. Allele origin: unknown.

Genome-Nilou Lab
Classification: Benign for Autosomal recessive limb-girdle muscular dystrophy type 2J. Last evaluated: 2021-09-10. Review status: criteria provided, single submitter. Criteria: ACMG Guidelines, 2015. Collection method: clinical testing. Allele origin: germline. Affected: no.

Genome-Nilou Lab
Classification: Benign for Myopathy, myofibrillar, 9, with early respiratory failure. Last evaluated: 2021-09-10. Review status: criteria provided, single submitter. Criteria: ACMG Guidelines, 2015. Collection method: clinical testing. Allele origin: germline. Affected: no.

Genome-Nilou Lab
Classification: Benign for Early-onset myopathy with fatal cardiomyopathy. Last evaluated: 2021-09-10. Review status: criteria provided, single submitter. Criteria: ACMG Guidelines, 2015. Collection method: clinical testing. Allele origin: germline. Affected: no.

Genome-Nilou Lab
Classification: Benign for Tibial muscular dystrophy. Last evaluated: 2021-09-10. Review status: criteria provided, single submitter. Criteria: ACMG Guidelines, 2015. Collection method: clinical testing. Allele origin: germline. Affected: no.

Mayo Clinic Laboratories, Mayo Clinic
Classification: Benign. Last evaluated: 2019-09-27. Review status: criteria provided, single submitter. Criteria: ACMG Guidelines, 2015. Collection method: clinical testing. Allele origin: germline. Observed: 47 variant alleles.

Women's Health and Genetics/Laboratory Corporation of America, LabCorp
Classification: Benign. Last evaluated: 2019-08-19. Review status: criteria provided, single submitter. Criteria: LabCorp Variant Classification Summary - May 2015. Collection method: clinical testing. Allele origin: germline.

Illumina Laboratory Services, Illumina
Classification: Benign for Early-onset myopathy with fatal cardiomyopathy. Last evaluated: 2018-01-12. Review status: criteria provided, single submitter. Criteria: ICSL Variant Classification Criteria 13 December 2019. Collection method: clinical testing. Allele origin: germline.
Comment: This variant was observed in the ICSL laboratory as part of a predisposition screen in an ostensibly healthy population. It had not been previously curated by ICSL or reported in the Human Gene Mutation Database (HGMD: prior to June 1st, 2018), and was therefore a candidate for classification through an automated scoring system. Utilizing variant allele frequency, disease prevalence and penetrance estimates, and inheritance mode, an automated score was calculated to assess if this variant is too frequent to cause the disease. Based on the score and internal cut-off values, a variant classified as benign is not then subjected to further curation. The score for this variant resulted in a classification of benign for this disease.

Illumina Laboratory Services, Illumina
Classification: Likely benign for Dilated cardiomyopathy 1G. Last evaluated: 2018-01-12. Review status: criteria provided, single submitter. Criteria: ICSL Variant Classification Criteria 13 December 2019. Collection method: clinical testing. Allele origin: germline.
Comment: This variant was observed in the ICSL laboratory as part of a predisposition screen in an ostensibly healthy population. It had not been previously curated by ICSL or reported in the Human Gene Mutation Database (HGMD: prior to June 1st, 2018), and was therefore a candidate for classification through an automated scoring system. Utilizing variant allele frequency, disease prevalence and penetrance estimates, and inheritance mode, an automated score was calculated to assess if this variant is too frequent to cause the disease. Based on the score and internal cut-off values, a variant classified as likely benign is not then subjected to further curation. The score for this variant resulted in a classification of likely benign for this disease.

Illumina Laboratory Services, Illumina
Classification: Benign for Myopathy, myofibrillar, 9, with early respiratory failure. Last evaluated: 2018-01-12. Review status: criteria provided, single submitter. Criteria: ICSL Variant Classification Criteria 13 December 2019. Collection method: clinical testing. Allele origin: germline.
Comment: the same text as in the submission from Illumina Laboratory Services, Illumina above.

Illumina Laboratory Services, Illumina
Classification: Benign for Tibial muscular dystrophy. Last evaluated: 2018-01-12. Review status: criteria provided, single submitter. Criteria: ICSL Variant Classification Criteria 13 December 2019. Collection method: clinical testing. Allele origin: germline.
Comment: the same text as in the submission from Illumina Laboratory Services, Illumina above.

Illumina Laboratory Services, Illumina
Classification: Benign for Autosomal recessive limb-girdle muscular dystrophy type 2J. Last evaluated: 2018-01-12. Review status: criteria provided, single submitter. Criteria: ICSL Variant Classification Criteria 13 December 2019. Collection method: clinical testing. Allele origin: germline.
Comment: the same text as in the submission from Illumina Laboratory Services, Illumina above.

CHEO Genetics Diagnostic Laboratory, Children's Hospital of Eastern Ontario
Classification: Benign for Cardiomyopathy. Last evaluated: 2016-03-02. Review status: criteria provided, single submitter. Criteria: ACMG Guidelines, 2015. Collection method: clinical testing. Allele origin: germline. Study: Canadian Open Genetics Repository.

GeneDx
Classification: Benign. Last evaluated: 2013-04-30. Review status: criteria provided, single submitter. Criteria: GeneDx Variant Classification (06012015). Collection method: clinical testing. Allele origin: germline. Affected: yes.
Comment: This variant is considered likely benign or benign based on one or more of the following criteria: it is a conservative change, it occurs at a poorly conserved position in the protein, it is predicted to be benign by multiple in silico algorithms, and/or has population frequency not consistent with disease.

Ambry Genetics
Classification: Benign for Cardiovascular phenotype. Last evaluated: 2012-12-14. Review status: criteria provided, single submitter. Criteria: Ambry Autosomal Dominant and X-Linked criteria (10/2015). Collection method: clinical testing. Allele origin: germline. Observed: 1 variant allele.

Laboratory for Molecular Medicine, Mass General Brigham Personalized Medicine
Classification: Benign. Last evaluated: 2012-07-18. Review status: criteria provided, single submitter. Criteria: LMM Criteria. Collection method: clinical testing. Allele origin: germline. Observed: 33 variant alleles.
Comment: 6.4% (255/3982) of Afr Amer chrom from ESP

Breakthrough Genomics
Classification: Likely benign. Review status: criteria provided, single submitter. Criteria: ACMG Guidelines, 2015. Collection method: not provided. Allele origin: germline. Inheritance: Autosomal recessive inheritance. Affected: yes.

PreventionGenetics, part of Exact Sciences
Classification: Benign. Review status: criteria provided, single submitter. Criteria: ACMG Guidelines, 2015. Collection method: clinical testing. Allele origin: germline.

Clinical Genetics DNA and cytogenetics Diagnostics Lab, Erasmus MC, Erasmus Medical Center
Classification: Benign. Review status: no assertion criteria provided. Collection method: clinical testing. Allele origin: germline. Affected: yes. Study: VKGL Data-share Consensus. Not counted in ClinVar's aggregate classification.

Clinical Genetics, Academic Medical Center
Classification: Benign. Review status: no assertion criteria provided. Collection method: clinical testing. Allele origin: germline. Affected: yes. Study: VKGL Data-share Consensus. Not counted in ClinVar's aggregate classification.

Genetic Services Laboratory, University of Chicago
Classification: Likely benign for AllHighlyPenetrant. Review status: no assertion criteria provided. Collection method: clinical testing. Allele origin: germline. Not counted in ClinVar's aggregate classification.
Comment: Likely benign based on allele frequency in 1000 Genomes Project or ESP global frequency and its presence in a patient with a rare or unrelated disease phenotype. NOT Sanger confirmed.

Joint Genome Diagnostic Labs from Nijmegen and Maastricht, Radboudumc and MUMC+
Classification: Benign. Review status: no assertion criteria provided. Collection method: clinical testing. Allele origin: germline. Affected: yes. Study: VKGL Data-share Consensus. Not counted in ClinVar's aggregate classification.

Laboratory of Diagnostic Genome Analysis, Leiden University Medical Center (LUMC)
Classification: Likely benign. Review status: no assertion criteria provided. Collection method: clinical testing. Allele origin: germline. Affected: yes. Study: VKGL Data-share Consensus. Not counted in ClinVar's aggregate classification.

NM_001267550.2(TTN):c.52917T>C (p.Asp17639=)

Genes: TTN (titin; minus strand), TTN-AS1 (TTN antisense RNA 1; plus strand), LOC126806425 (BRD4-independent group 4 enhancer GRCh37_chr2:179471933-179473132; plus strand). Cytogenetic location: 2q31.2.
Variant type: single nucleotide variant.
Coding change: c.52917T>C on transcript NM_001267550.2 (MANE Select); coding-DNA position 52917, T replaced by C.
Protein change: p.Asp17639=; no amino-acid change (aspartic acid 17639 retained).
Molecular consequence: synonymous variant.
Genome position (GRCh38, 1-based): chr2:178,607,870, A>G on the plus strand (T>C on the coding strand, the complement: TTN is on the minus strand). VCF-style: chr2-178607870-A-G. GRCh37 (hg19) VCF-style: chr2-179472597-A-G.
Other names: p.D15071D:GAT>GAC; p.Asp15071=; c.47994T>C, p.Asp15998= (NM_001256850.1); c.25722T>C, p.Asp8574= (NM_003319.4); c.45213T>C, p.Asp15071= (NM_133378.4); c.26097T>C, p.Asp8699= (NM_133432.3); c.26298T>C, p.Asp8766= (NM_133437.4).
Identifiers: ClinVar variation 47068 (VCV000047068.48), dbSNP rs73036398, ClinGen allele CA283413.